The following is an entry in ClinVar:

ClinVar aggregate classification (germline): Uncertain significance. Review status: criteria provided, multiple submitters, no conflicts (2 of 4 stars). 3 submissions from 3 submitters: Uncertain significance (3). Last evaluated 2022-12-22.

Conditions:
Legius syndrome. Identifiers: Orphanet 137605, MedGen C1969623, MONDO:0012669, OMIM 611431. Disease mechanism: loss of function.

Submissions (3):

GeneDx
Classification: Uncertain significance. Last evaluated: 2022-12-22. Review status: criteria provided, single submitter. Criteria: GeneDx Variant Classification Process June 2021. Collection method: clinical testing. Allele origin: germline. Affected: yes.
Comment: Not observed at significant frequency in large population cohorts (gnomAD); In silico analysis supports that this missense variant has a deleterious effect on protein structure/function; Has not been previously published as pathogenic or benign to our knowledge; This variant is associated with the following publications: (PMID: 17704776, 25883013)

CENTOGENE GmbH and LLC - Guiding Precision Medicine
Classification: Uncertain significance for Legius syndrome. Last evaluated: 2018-02-20. Review status: criteria provided, single submitter. Criteria: ACMG Guidelines, 2015. Collection method: clinical testing. Allele origin: germline.

Illumina Laboratory Services, Illumina
Classification: Uncertain significance for Legius syndrome. Last evaluated: 2017-04-28. Review status: criteria provided, single submitter. Criteria: ICSL Variant Classification Criteria 13 December 2019. Collection method: clinical testing. Allele origin: germline.
Comment: This variant was observed as part of a predisposition screen in an ostensibly healthy population. A literature search was performed for the gene, cDNA change, and amino acid change (where applicable). Publications were found based on this search. However, the evidence from the literature, in combination with allele frequency data from public databases where available, was not sufficient to rule this variant in or out of causing disease. Therefore, this variant is classified as a variant of unknown significance.

Literature cited by the submitters: PubMed 25883013 (cited by Illumina Laboratory Services, Illumina); PubMed 17704776 (cited by Illumina Laboratory Services, Illumina).

NM_152594.3(SPRED1):c.973C>G (p.Arg325Gly)

Gene: SPRED1 (sprouty related EVH1 domain containing 1; plus strand). Cytogenetic location: 15q14.
Variant type: single nucleotide variant.
Coding change: c.973C>G on transcript NM_152594.3 (MANE Select); coding-DNA position 973, C replaced by G.
Protein change: p.Arg325Gly; replaces arginine 325 with glycine.
Molecular consequence: missense variant.
Genome position (GRCh38, 1-based): chr15:38,351,302, C>G. VCF-style: chr15-38351302-C-G. GRCh37 (hg19) VCF-style: chr15-38643503-C-G.
Other names: short protein forms R325G.
Identifiers: ClinVar variation 885239 (VCV000885239.6), dbSNP rs1057518683, ClinGen allele CA391933662.